The following is an entry in ClinVar:

Conditions:
Breast-ovarian cancer, familial, susceptibility to, 1 (BROVCA1). Also called: BRCA1 Hereditary Breast and Ovarian Cancer; OVARIAN CANCER, SUSCEPTIBILITY TO. Identifiers: Orphanet 145, MedGen C2676676, MONDO:0011450, OMIM 604370. Disease mechanism: loss of function.

Submission:

Brotman Baty Institute, University of Washington
No classification provided (evidence only). Condition: Breast-ovarian cancer, familial 1. Review status: no classification provided. Collection method: in vitro. Allele origin: not applicable. Functional consequence: functionally_normal.
ClinVar note: "not provided" was previously submitted as the classification for the variant. However, the classification appeared to be based only on an observation of functional data so it was converted to no classification on 2025-07-30.

NM_007294.4(BRCA1):c.5544G>C (p.Gln1848His)

Gene: BRCA1 (BRCA1 DNA repair associated; minus strand). Cytogenetic location: 17q21.31.
Variant type: single nucleotide variant.
Coding change: c.5544G>C on transcript NM_007294.4 (MANE Select); coding-DNA position 5544, G replaced by C.
Protein change: p.Gln1848His; replaces glutamine 1848 with histidine.
Molecular consequence: missense variant. On other transcripts: 3 prime UTR variant (1), non-coding transcript variant (1).
Genome position (GRCh38, 1-based): chr17:43,045,726, C>G on the plus strand (G>C on the coding strand, the complement: BRCA1 is on the minus strand). VCF-style: chr17-43045726-C-G. GRCh37 (hg19) VCF-style: chr17-41197743-C-G.
Other names: c.5331G>C, p.Gln1777His (NM_001407571.1, NM_001407894.1, NM_001407895.1 and 12 more transcripts); c.5610G>C, p.Gln1870His (NM_001407581.1, NM_001407582.1); c.5607G>C, p.Gln1869His (NM_001407583.1, NM_001407585.1, NM_001407587.1 and 1 more transcripts); c.5604G>C, p.Gln1868His (NM_001407590.1, NM_001407591.1); c.5544G>C, p.Gln1848His (NM_001407593.1, NM_001407594.1, NM_001407596.1 and 5 more transcripts); c.5541G>C, p.Gln1847His (NM_001407610.1, NM_001407611.1, NM_001407612.1 and 14 more transcripts); c.5538G>C, p.Gln1846His (NM_001407627.1, NM_001407628.1, NM_001407629.1 and 13 more transcripts); c.5535G>C, p.Gln1845His (NM_001407645.1, NM_001407644.1); and 74 more; short protein forms Q1801H, Q1848H, Q744H, Q1869H, Q1736H, Q1776H, Q1779H, Q1806H.
Identifiers: ClinVar variation 869026 (VCV000869026.3), dbSNP rs2050865178, ClinGen allele CA10590235.